The following is an entry in ClinVar:

ClinVar aggregate classification (germline): Uncertain significance. Review status: criteria provided, single submitter (1 of 4 stars). 2 submissions from 2 submitters: Uncertain significance (1). 1 of the submissions does not count toward it. Last evaluated 2017-03-16.

Conditions:
EHHADH-related disorder. Also called: EHHADH-related condition.

Allele frequency attached by ClinVar (database versions not stated): gnomAD exomes 0.00008 and 0.00020; ExAC 0.00030; gnomAD 0.00055 and 0.00058; 1000 Genomes Project 0.00060; 1000 Genomes Project 30x 0.00062; TOPMed 0.00065; ESP Exome Variant Server 0.00115.
gnomAD v4.1: 195 of 1,613,808 alleles (0.012%); highest among the groups gnomAD compares: African/African-American, 0.21%; no homozygotes.

Submissions (2):

Eurofins Ntd Llc (ga)
Classification: Uncertain significance. Last evaluated: 2017-03-16. Review status: criteria provided, single submitter. Criteria: EGL Classification Definitions 2015. Collection method: clinical testing. Allele origin: germline. Observed: 2 variant alleles, 2 heterozygotes.

PreventionGenetics, part of Exact Sciences
Classification: Likely benign for EHHADH-related condition. Last evaluated: 2019-04-10. Review status: no assertion criteria provided. Collection method: clinical testing. Allele origin: germline. Not counted in ClinVar's aggregate classification.
Comment: This variant is classified as likely benign based on ACMG/AMP sequence variant interpretation guidelines (Richards et al. 2015 PMID: 25741868, with internal and published modifications).

NM_001966.4(EHHADH):c.1068C>T (p.His356=)

Gene: EHHADH (enoyl-CoA hydratase and 3-hydroxyacyl CoA dehydrogenase; minus strand). Cytogenetic location: 3q27.2.
Variant type: single nucleotide variant.
Coding change: c.1068C>T on transcript NM_001966.4 (MANE Select); coding-DNA position 1068, C replaced by T.
Protein change: p.His356=; no amino-acid change (histidine 356 retained).
Molecular consequence: synonymous variant.
Genome position (GRCh38, 1-based): chr3:185,193,330, G>A on the plus strand (C>T on the coding strand, the complement: EHHADH is on the minus strand). VCF-style: chr3-185193330-G-A. GRCh37 (hg19) VCF-style: chr3-184911118-G-A.
Other names: c.780C>T, p.His260= (NM_001166415.2); c.1068C>T (NM_001966.3).
Identifiers: ClinVar variation 500868 (VCV000500868.7), dbSNP rs142166617, ClinGen allele CA2739043.